The following is an entry in ClinVar:

ClinVar aggregate classification (germline): Benign/Likely benign. Review status: criteria provided, multiple submitters, no conflicts (2 of 4 stars). 13 submissions from 13 submitters: Benign (3); Likely benign (9). 1 of the submissions does not count toward it. Last evaluated 2026-01-31.

Conditions:
Hereditary cancer-predisposing syndrome. Also called: Hereditary Cancer Syndrome; Tumor predisposition; Hereditary neoplastic syndrome; Neoplastic Syndromes, Hereditary. Identifiers: Orphanet 140162, MedGen C0027672, MeSH D009386, MONDO:0015356.
Neurofibromatosis, type 2 (SWNV). Also called: NF2-Related Schwannomatosis; SCHWANNOMATOSIS, VESTIBULAR; BILATERAL ACOUSTIC NEUROFIBROMATOSIS. Identifiers: Orphanet 637, MedGen C0027832, MONDO:0007039, OMIM 101000. Disease mechanism: loss of function.

Allele frequency attached by ClinVar (database versions not stated): gnomAD exomes 0.00010 and 0.00024; gnomAD 0.00109 and 0.00115; 1000 Genomes Project 0.00120; TOPMed 0.00122; ESP Exome Variant Server 0.00123; ExAC 0.00073; 1000 Genomes Project 30x 0.00109.
gnomAD v4.1: 302 of 1,587,174 alleles (0.019%); highest among the groups gnomAD compares: African/African-American, 0.38%; 1 homozygote.

Submissions (13):

Labcorp Genetics (formerly Invitae), Labcorp
Classification: Benign for Neurofibromatosis, type 2. Last evaluated: 2026-01-31. Review status: criteria provided, single submitter. Criteria: Invitae Variant Classification Sherloc (09022015). Collection method: clinical testing. Allele origin: germline.

Mayo Clinic Laboratories, Mayo Clinic
Classification: Likely benign. Last evaluated: 2025-10-02. Review status: criteria provided, single submitter. Criteria: ACMG Guidelines, 2015. Collection method: clinical testing. Allele origin: germline. Observed: 4 variant alleles.
Comment: BS1, BP4, BP7

Athena Diagnostics
Classification: Benign. Last evaluated: 2025-05-20. Review status: criteria provided, single submitter. Criteria: Athena Diagnostics Criteria. Collection method: clinical testing. Allele origin: unknown.
Comment: The frequency of this variant in the general population is higher than would generally be expected for pathogenic variants in this gene. Computational tools yielded predictions that this variant is unlikely to have an effect on normal RNA splicing. This variant has been seen where an alternate explanation for disease was also identified.

Color Diagnostics, LLC DBA Color Health
Classification: Likely benign for Neurofibromatosis, type 2. Last evaluated: 2022-11-06. Review status: criteria provided, single submitter. Criteria: ACMG Guidelines, 2015. Collection method: clinical testing. Allele origin: germline.

Blueprint Genetics
Classification: Likely benign. Last evaluated: 2022-01-20. Review status: criteria provided, single submitter. Criteria: ACMG Guidelines, 2015. Collection method: clinical testing. Allele origin: germline.

Genome-Nilou Lab
Classification: Benign for Neurofibromatosis, type 2. Last evaluated: 2021-11-07. Review status: criteria provided, single submitter. Criteria: ACMG Guidelines, 2015. Collection method: clinical testing. Allele origin: germline. Affected: no.

Sema4
Classification: Likely benign for Hereditary cancer-predisposing syndrome. Last evaluated: 2021-01-26. Review status: criteria provided, single submitter. Criteria: Sema4 Curation Guidelines. Collection method: curation. Allele origin: germline.

Illumina Laboratory Services, Illumina
Classification: Likely benign for Neurofibromatosis, type 2. Last evaluated: 2018-10-25. Review status: criteria provided, single submitter. Criteria: ICSL Variant Classification Criteria 13 December 2019. Collection method: clinical testing. Allele origin: germline.
Comment: This variant was observed as part of a predisposition screen in an ostensibly healthy population. A literature search was performed for the gene, cDNA change, and amino acid change (where applicable). No publications were found based on this search. Allele frequency data from public databases allowed determination this variant is unlikely to cause disease. Therefore, this variant is classified as likely benign.

GeneDx
Classification: Likely benign. Last evaluated: 2018-01-20. Review status: criteria provided, single submitter. Criteria: GeneDx Variant Classification (06012015). Collection method: clinical testing. Allele origin: germline. Affected: yes.
Comment: This variant is considered likely benign or benign based on one or more of the following criteria: it is a conservative change, it occurs at a poorly conserved position in the protein, it is predicted to be benign by multiple in silico algorithms, and/or has population frequency not consistent with disease.

Ambry Genetics
Classification: Likely benign for Hereditary cancer-predisposing syndrome. Last evaluated: 2017-12-01. Review status: criteria provided, single submitter. Criteria: Ambry Variant Classification Scheme 2023. Collection method: clinical testing. Allele origin: germline.

Breakthrough Genomics
Classification: Likely benign. Review status: criteria provided, single submitter. Criteria: ACMG Guidelines, 2015. Collection method: not provided. Allele origin: germline. Inheritance: Autosomal dominant inheritance. Affected: yes.

PreventionGenetics, part of Exact Sciences
Classification: Likely benign. Review status: criteria provided, single submitter. Criteria: ACMG Guidelines, 2015. Collection method: clinical testing. Allele origin: germline.

Genetic Services Laboratory, University of Chicago
Classification: Likely benign. Last evaluated: 2022-05-12. Review status: no assertion criteria provided. Collection method: clinical testing. Allele origin: germline. Affected: no. Not counted in ClinVar's aggregate classification.

NM_000268.4(NF2):c.12C>T (p.Ala4=)

Gene: NF2 (NF2, moesin-ezrin-radixin like (MERLIN) tumor suppressor; plus strand). Cytogenetic location: 22q12.2.
Variant type: single nucleotide variant.
Coding change: c.12C>T on transcript NM_000268.4 (MANE Select); coding-DNA position 12, C replaced by T.
Protein change: p.Ala4=; no amino-acid change (alanine 4 retained).
Molecular consequence: synonymous variant. On other transcripts: non-coding transcript variant (1).
Genome position (GRCh38, 1-based): chr22:29,604,010, C>T. VCF-style: chr22-29604010-C-T. GRCh37 (hg19) VCF-style: chr22-29999999-C-T.
Other names: p.Ala4=; c.12C>T, p.Ala4= (NM_016418.5, NM_181825.3, NM_181828.3 and 5 more transcripts).
Identifiers: ClinVar variation 237616 (VCV000237616.30), dbSNP rs144477078, ClinGen allele CA031926.